The following is an entry in ClinVar:

ClinVar aggregate classification (germline): Uncertain significance (1 of 4 stars; one submission).

Submission:

GeneDx
Classification: Uncertain significance. Last evaluated: 2023-07-25. Review status: criteria provided, single submitter. Criteria: GeneDx Variant Classification Process June 2021. Collection method: clinical testing. Allele origin: germline. Affected: yes.
Comment: Not observed at significant frequency in large population cohorts (gnomAD); In silico analysis supports that this missense variant does not alter protein structure/function; Has not been previously published as pathogenic or benign to our knowledge; Variants in candidate genes are classified as variants of uncertain significance in accordance with ACMG guidelines (Richards et al., 2015)

NM_020987.5(ANK3):c.10023T>A (p.Asp3341Glu)

Gene: ANK3 (ankyrin 3; minus strand). Cytogenetic location: 10q21.2.
Variant type: single nucleotide variant.
Coding change: c.10023T>A on transcript NM_020987.5 (MANE Select); coding-DNA position 10023, T replaced by A.
Protein change: p.Asp3341Glu; replaces aspartic acid 3341 with glutamic acid.
Molecular consequence: missense variant. On other transcripts: intron variant (4).
Genome position (GRCh38, 1-based): chr10:60,070,858, A>T on the plus strand (T>A on the coding strand, the complement: ANK3 is on the minus strand). VCF-style: chr10-60070858-A-T. GRCh37 (hg19) VCF-style: chr10-61830616-A-T.
Other names: c.4388-2849T>A (NM_001204403.2); c.4409-2849T>A (NM_001204404.2); c.4406-2849T>A (NM_001320874.2); c.1808-2849T>A (NM_001149.4); short protein forms D3341E.
Identifiers: ClinVar variation 3361521 (VCV003361521.1).